The following is an entry in ClinVar:

NM_006231.4(POLE):c.5407G>A (p.Val1803Met)

Gene: POLE (DNA polymerase epsilon, catalytic subunit; minus strand). Cytogenetic location: 12q24.33.
Variant type: single nucleotide variant.
Coding change: c.5407G>A on transcript NM_006231.4 (MANE Select); coding-DNA position 5407, G replaced by A.
Protein change: p.Val1803Met; replaces valine 1803 with methionine.
Molecular consequence: missense variant.
Genome position (GRCh38, 1-based): chr12:132,639,270, C>T on the plus strand (G>A on the coding strand, the complement: POLE is on the minus strand). VCF-style: chr12-132639270-C-T. GRCh37 (hg19) VCF-style: chr12-133215856-C-T.
Other names: short protein forms V1803M.
Identifiers: ClinVar variation 473730 (VCV000473730.8), dbSNP rs1555221935, ClinGen allele CA387375031.

ClinVar aggregate classification (germline): Uncertain significance (1 of 4 stars; one submission).

Submission:

Labcorp Genetics (formerly Invitae), Labcorp
Classification: Uncertain significance. Last evaluated: 2023-08-15. Review status: criteria provided, single submitter. Criteria: Invitae Variant Classification Sherloc (09022015). Collection method: clinical testing. Allele origin: germline.
Comment: In summary, the available evidence is currently insufficient to determine the role of this variant in disease. Therefore, it has been classified as a Variant of Uncertain Significance. Advanced modeling of protein sequence and biophysical properties (such as structural, functional, and spatial information, amino acid conservation, physicochemical variation, residue mobility, and thermodynamic stability) performed at Invitae indicates that this missense variant is not expected to disrupt POLE protein function. ClinVar contains an entry for this variant (Variation ID: 473730). This variant has not been reported in the literature in individuals affected with POLE-related conditions. This variant is not present in population databases (gnomAD no frequency). This sequence change replaces valine, which is neutral and non-polar, with methionine, which is neutral and non-polar, at codon 1803 of the POLE protein (p.Val1803Met).